The following is an entry in ClinVar:

ClinVar aggregate classification (germline): Likely pathogenic (1 of 4 stars; one submission).

Conditions:
Hypertrophic cardiomyopathy 26. Also called: Cardiomyopathy, familial hypertrophic, 26. Identifiers: Orphanet 75249, MedGen C4310749, MONDO:0014883, OMIM 617047.
Myofibrillar myopathy 5. Also called: Filaminopathy (type); FILAMINOPATHY, AUTOSOMAL DOMINANT. Identifiers: Orphanet 171445, MedGen C1836050, MONDO:0012289, OMIM 609524.
Distal myopathy with posterior leg and anterior hand involvement. Also called: WILLIAMS DISTAL MYOPATHY. Identifiers: Orphanet 63273, MedGen C3279722, MONDO:0013550, OMIM 614065.

Submission:

Labcorp Genetics (formerly Invitae), Labcorp
Classification: Likely pathogenic for Distal myopathy with posterior leg and anterior hand involvement; Myofibrillar myopathy 5; Hypertrophic cardiomyopathy 26. Last evaluated: 2026-01-01. Review status: criteria provided, single submitter. Criteria: Invitae Variant Classification Sherloc (09022015). Collection method: clinical testing. Allele origin: germline.
Comment: This variant results in the deletion of part of exon 39 (c.6474_6484+25del) of the FLNC gene. It is expected to disrupt RNA splicing. Variants that disrupt the donor or acceptor splice site typically lead to a loss of protein function (PMID: 16199547), and loss-of-function variants in FLNC are known to be pathogenic (PMID: 27908349). This variant is not present in population databases (gnomAD no frequency). This variant has not been reported in the literature in individuals affected with FLNC-related conditions. In summary, the currently available evidence indicates that the variant is pathogenic, but additional data are needed to prove that conclusively. Therefore, this variant has been classified as Likely Pathogenic.

Literature cited by the submitters: PubMed 16199547; PubMed 27908349.

NM_001458.5(FLNC):c.6474_6484+25del

Genes: FLNC-AS1 (FLNC antisense RNA 1; minus strand), FLNC (filamin C; plus strand). Cytogenetic location: 7q32.1.
Variant type: Deletion.
Coding change: c.6474_6484+25del on transcript NM_001458.5 (MANE Select); coding-DNA position 6474 through 25 bases into the intron after coding-DNA position 6484, 36 bases deleted.
Molecular consequence: splice donor variant.
Genome position (GRCh38, 1-based): chr7:128,853,827-128,853,862, 36 bases deleted. GRCh37 (hg19): chr7:128,493,881-128,493,916.
Other names: c.6375_6385+25del (NM_001127487.2).
Identifiers: ClinVar variation 4812578 (VCV004812578.1).